The following is an entry in ClinVar:

NM_020207.7(ERCC6L2):c.652A>T (p.Thr218Ser)

Gene: ERCC6L2 (ERCC excision repair 6 like 2; plus strand). Cytogenetic location: 9q22.32.
Variant type: single nucleotide variant.
Coding change: c.652A>T on transcript NM_020207.7 (MANE Select); coding-DNA position 652, A replaced by T.
Protein change: p.Thr218Ser; replaces threonine 218 with serine.
Molecular consequence: missense variant. On other transcripts: non-coding transcript variant (1).
Genome position (GRCh38, 1-based): chr9:95,907,135, A>T. VCF-style: chr9-95907135-A-T. GRCh37 (hg19) VCF-style: chr9-98669417-A-T.
Other names: c.652A>T, p.Thr218Ser (NM_001010895.4, NM_001375291.1, NM_001375292.1 and 2 more transcripts); short protein forms T218S.
Identifiers: ClinVar variation 3845814 (VCV003845814.1).

ClinVar aggregate classification (germline): Uncertain significance (1 of 4 stars; one submission).

Conditions:
Inborn genetic diseases. Identifiers: MedGen C0950123, MeSH D030342.

Submission:

Ambry Genetics
Classification: Uncertain significance for Inborn genetic diseases. Last evaluated: 2024-12-20. Review status: criteria provided, single submitter. Criteria: Ambry Variant Classification Scheme 2023. Collection method: clinical testing. Allele origin: germline.
Comment: The p.T218S variant (also known as c.652A>T), located in coding exon 4 of the ERCC6L2 gene, results from an A to T substitution at nucleotide position 652. The threonine at codon 218 is replaced by serine, an amino acid with similar properties. This amino acid position is conserved. In addition, the in silico prediction for this alteration is inconclusive. Based on the available evidence, the clinical significance of this variant remains unclear.